The following is an entry in ClinVar:

ClinVar aggregate classification (germline): Uncertain significance (1 of 4 stars; one submission).

Submission:

GeneDx
Classification: Uncertain significance. Last evaluated: 2026-02-24. Review status: criteria provided, single submitter. Criteria: GeneDx Variant Classification Process June 2021. Collection method: clinical testing. Allele origin: germline.
Comment: Not observed at significant frequency in large population cohorts (gnomAD); In silico analysis supports that this missense variant has a deleterious effect on protein structure/function; Has not been previously published as pathogenic or benign to our knowledge

NM_001356.5(DDX3X):c.367G>A (p.Gly123Arg)

Gene: DDX3X (DEAD-box helicase 3 X-linked; plus strand). Cytogenetic location: Xp11.4.
Variant type: single nucleotide variant.
Coding change: c.367G>A on transcript NM_001356.5 (MANE Select); coding-DNA position 367, G replaced by A.
Protein change: p.Gly123Arg; replaces glycine 123 with arginine.
Molecular consequence: missense variant. On other transcripts: 5 prime UTR variant (1), non-coding transcript variant (1).
Genome position (GRCh38, 1-based): chrX:41,342,577, G>A. VCF-style: chrX-41342577-G-A. GRCh37 (hg19) VCF-style: chrX-41201830-G-A.
Other names: c.367G>A, p.Gly123Arg (NM_001193416.3); c.319G>A, p.Gly107Arg (NM_001193417.3); c.-192G>A (NM_001363819.1); short protein forms G123R, G107R.
Identifiers: ClinVar variation 5010019 (VCV005010019.1).